The following is an entry in ClinVar:

NM_006904.7(PRKDC):c.1852A>G (p.Lys618Glu)

Gene: PRKDC (protein kinase, DNA-activated, catalytic subunit; minus strand). Cytogenetic location: 8q11.21.
Variant type: single nucleotide variant.
Coding change: c.1852A>G on transcript NM_006904.7 (MANE Select); coding-DNA position 1852, A replaced by G.
Protein change: p.Lys618Glu; replaces lysine 618 with glutamic acid.
Molecular consequence: missense variant.
Genome position (GRCh38, 1-based): chr8:47,930,712, T>C on the plus strand (A>G on the coding strand, the complement: PRKDC is on the minus strand). VCF-style: chr8-47930712-T-C. GRCh37 (hg19) VCF-style: chr8-48843272-T-C.
Other names: c.1852A>G, p.Lys618Glu (NM_001081640.2); short protein forms K618E.
Identifiers: ClinVar variation 1781349 (VCV001781349.2), dbSNP rs1181147156, ClinGen allele CA371164709.

ClinVar aggregate classification (germline): Uncertain significance (1 of 4 stars; one submission).

Allele frequency attached by ClinVar (database versions not stated): gnomAD exomes below 0.00001.
gnomAD v4.1: 1 of 1,587,720 alleles (0.000063%); highest among the groups gnomAD compares: Admixed American, 0.0018%; no homozygotes.

Submission:

Ambry Genetics
Classification: Uncertain significance. Last evaluated: 2022-10-12. Review status: criteria provided, single submitter. Criteria: Ambry Variant Classification Scheme 2023. Collection method: clinical testing. Allele origin: germline.
Comment: The p.K618E variant (also known as c.1852A>G), located in coding exon 17 of the PRKDC gene, results from an A to G substitution at nucleotide position 1852. The lysine at codon 618 is replaced by glutamic acid, an amino acid with similar properties. This amino acid position is conserved. In addition, this alteration is predicted to be tolerated by in silico analysis. Since supporting evidence is limited at this time, the clinical significance of this alteration remains unclear.